The following is an entry in ClinVar:

NM_001267550.2(TTN):c.94093C>T (p.Arg31365Cys)

Genes: TTN (titin; minus strand), TTN-AS1 (TTN antisense RNA 1; plus strand). Cytogenetic location: 2q31.2.
Variant type: single nucleotide variant.
Coding change: c.94093C>T on transcript NM_001267550.2 (MANE Select); coding-DNA position 94093, C replaced by T.
Protein change: p.Arg31365Cys; replaces arginine 31365 with cysteine.
Molecular consequence: missense variant.
Genome position (GRCh38, 1-based): chr2:178,547,533, G>A on the plus strand (C>T on the coding strand, the complement: TTN is on the minus strand). VCF-style: chr2-178547533-G-A. GRCh37 (hg19) VCF-style: chr2-179412260-G-A.
Other names: c.89170C>T, p.Arg29724Cys (NM_001256850.1); c.66898C>T, p.Arg22300Cys (NM_003319.4); c.86389C>T, p.Arg28797Cys (NM_133378.4); c.67273C>T, p.Arg22425Cys (NM_133432.3); c.67474C>T, p.Arg22492Cys (NM_133437.4); short protein forms R22300C, R31365C, R28797C, R29724C, R22425C, R22492C.
Identifiers: ClinVar variation 519175 (VCV000519175.9), dbSNP rs372593328, ClinGen allele CA1987200.

ClinVar aggregate classification (germline): Uncertain significance. Review status: criteria provided, multiple submitters, no conflicts (2 of 4 stars). 2 submissions from 2 submitters: Uncertain significance (2). Last evaluated 2017-12-11.

Conditions:
Cardiovascular phenotype. Identifiers: MedGen CN230736.

Allele frequency attached by ClinVar (database versions not stated): gnomAD exomes 0.00001 and 0.00002; ExAC 0.00003; gnomAD 0.00003 and 0.00004; ESP Exome Variant Server 0.00008; TOPMed 0.00009.
gnomAD v4.1: 20 of 1,613,564 alleles (0.0012%); highest among the groups gnomAD compares: African/African-American, 0.008%; no homozygotes.

Submissions (2):

Eurofins Ntd Llc (ga)
Classification: Uncertain significance. Last evaluated: 2017-12-11. Review status: criteria provided, single submitter. Criteria: EGL Classification Definitions 2015. Collection method: clinical testing. Allele origin: germline. Observed: 1 variant allele, 1 heterozygote.

Ambry Genetics
Classification: Uncertain significance for Cardiovascular phenotype. Last evaluated: 2017-07-31. Review status: criteria provided, single submitter. Criteria: Ambry Variant Classification Scheme 2023. Collection method: clinical testing. Allele origin: germline.
Comment: The p.R22300C variant (also known as c.66898C>T), located in coding exon 166 of the TTN gene, results from a C to T substitution at nucleotide position 66898. The arginine at codon 22300 is replaced by cysteine, an amino acid with highly dissimilar properties. This amino acid position is highly conserved in available vertebrate species. In addition, this alteration is predicted to be tolerated by in silico analysis. Since supporting evidence is limited at this time, the clinical significance of this alteration remains unclear.